The following is an entry in ClinVar:

NM_002693.3(POLG):c.159_161dup (p.Gln55dup)

Genes: POLG (DNA polymerase gamma, catalytic subunit; minus strand), POLGARF (POLG alternative reading frame; minus strand). Cytogenetic location: 15q26.1.
Variant type: Duplication.
Coding change: c.159_161dup on transcript NM_002693.3 (MANE Select); coding-DNA positions 159 to 161, 3 bases duplicated (ACA; older notation c.159_161dupACA).
Protein change: p.Gln55dup; duplicates glutamine 55.
Molecular consequence: inframe insertion.
Genome position (GRCh38, 1-based): chr15:89,333,594-89,333,596, TGT duplicated on the plus strand (ACA on the coding strand, the reverse complement: POLG is on the minus strand); duplicating any 3 consecutive bases within chr15:89,333,594-89,333,598 gives the same sequence; the c. name uses the placement nearest the transcript's 3' end. VCF-style (leftmost placement, unchanged base first): chr15-89333593-C-CTGT. GRCh37 (hg19) VCF-style: chr15-89876824-C-CTGT.
Other names: p.Gln55dup; c.157_159dupCAA (NM_002693.2); c.159_161dup, p.Gln55dup (NM_001126131.2); c.159_161dupACA (NM_002693.2).
Identifiers: ClinVar variation 206483 (VCV000206483.11), dbSNP rs768088414, ClinGen allele CA316620.
Genomic context (GRCh38, chr15:89,333,593, plus strand): 5'-CAATGGGTTGTGCCGCAGCTGCCCGCCCTCCGAGGATAGCACTTGCGGCTGCTGAGGCTG[C>CTGT]TGTTGCTGCTGCTGCTGCTGCTGCTGCTGCTGCTGCCGCCGCCGCTGCCCGTCGCTGGGG-3'

ClinVar aggregate classification (germline): Likely benign. Review status: criteria provided, multiple submitters, no conflicts (2 of 4 stars). 4 submissions from 3 submitters: Likely benign (3). 1 of the submissions does not count toward it. Last evaluated 2026-01-17.

Conditions:
Progressive sclerosing poliodystrophy (MTDPS4A). Also called: ALPERS DIFFUSE DEGENERATION OF CEREBRAL GRAY MATTER WITH HEPATIC CIRRHOSIS; Alpers-Huttenlocher Syndrome; ALPERS PROGRESSIVE INFANTILE POLIODYSTROPHY; NEURONAL DEGENERATION OF CHILDHOOD WITH LIVER DISEASE, PROGRESSIVE; Mitochondrial DNA Depletion Syndrome 4A; Alpers-Huttenlocher Syndrome (AHS). Identifiers: Orphanet 726, MedGen C0205710, MONDO:0008758, OMIM 203700.

Submissions (4):

Labcorp Genetics (formerly Invitae), Labcorp
Classification: Likely benign for Progressive sclerosing poliodystrophy. Last evaluated: 2026-01-17. Review status: criteria provided, single submitter. Criteria: Invitae Variant Classification Sherloc (09022015). Collection method: clinical testing. Allele origin: germline.

Mayo Clinic Laboratories, Mayo Clinic
Classification: Likely benign. Last evaluated: 2025-07-31. Review status: criteria provided, single submitter. Criteria: ACMG Guidelines, 2015. Collection method: clinical testing. Allele origin: germline. Observed: 1 variant allele.
Comment: BA1, BP3

GeneDx
Classification: Likely benign. Last evaluated: 2018-12-20. Review status: criteria provided, single submitter. Criteria: GeneDx Variant Classification Process June 2021. Collection method: clinical testing. Allele origin: germline. Affected: yes.

GeneDx
Classification: Likely benign. Last evaluated: 2013-06-27. Review status: flagged submission. Criteria: GeneDx Variant Classification (06012015). Collection method: clinical testing. Allele origin: germline. Affected: yes. Not counted in ClinVar's aggregate classification.
Comment: The variant is found in CHILD-EPI panel(s).
ClinVar note: Reason: This record appears to be redundant with a more recent record from the same submitter.
ClinVar note: Notes: SCV000242149 appears to be redundant with SCV000719929.